The following is an entry in ClinVar:

ClinVar aggregate classification (germline): Uncertain significance (1 of 4 stars; one submission).

gnomAD v4.1: 7 of 1,614,058 alleles (0.00043%); highest among the groups gnomAD compares: African/African-American, 0.0013%; no homozygotes.

Submission:

Dasa
Classification: Uncertain significance. Last evaluated: 2025-08-28. Review status: criteria provided, single submitter. Criteria: DASA Assertion Criteria. Collection method: clinical testing. Allele origin: germline.
Comment: NM_004366.6(CLCN2):c.2572C>T (p.Arg858*) is a nonsense variant in CLCN2 predicted to introduce a premature termination codon and is predicted to result in an absent or altered protein product. This variant is rare in population databases. The currently available literature and clinical evidence are not sufficient to establish a definitive association between this variant and the reported condition. Therefore, this variant is classified as a variant of uncertain significance.

NM_004366.6(CLCN2):c.2572C>T (p.Arg858Ter)

Gene: CLCN2 (chloride voltage-gated channel 2; minus strand). Cytogenetic location: 3q27.1.
Variant type: single nucleotide variant.
Coding change: c.2572C>T on transcript NM_004366.6 (MANE Select); coding-DNA position 2572, C replaced by T.
Protein change: p.Arg858Ter; replaces arginine 858 with a stop codon.
Molecular consequence: nonsense.
Genome position (GRCh38, 1-based): chr3:184,346,731, G>A on the plus strand (C>T on the coding strand, the complement: CLCN2 is on the minus strand). VCF-style: chr3-184346731-G-A. GRCh37 (hg19) VCF-style: chr3-184064519-G-A.
Other names: c.2521C>T, p.Arg841Ter (NM_001171087.3); c.2440C>T, p.Arg814Ter (NM_001171088.3); c.2485C>T, p.Arg829Ter (NM_001171089.3); short protein forms R814*, R829*, R841*, R858*.
Identifiers: ClinVar variation 4882203 (VCV004882203.2).
Genomic context (GRCh38, chr3:184,346,731, plus strand): 5'-GCCCCCAGAGTGCATGCACCTCAGTGGTCTCCGTGTCACTGCTGCTGGTGGCACTGTCTC[G>A]GAAGCTGGCGAGGGGCGGCCGGACTTTCACACCCTGTGCTGTGACAGAGCCCTCGATGGC-3'